The following is an entry in ClinVar:

NM_001098484.3(SLC4A4):c.942G>C (p.Leu314=)

Gene: SLC4A4 (solute carrier family 4 member 4; plus strand). Cytogenetic location: 4q13.3.
Variant type: single nucleotide variant.
Coding change: c.942G>C on transcript NM_001098484.3 (MANE Select); coding-DNA position 942, G replaced by C.
Protein change: p.Leu314=; no amino-acid change (leucine 314 retained).
Molecular consequence: synonymous variant.
Genome position (GRCh38, 1-based): chr4:71,440,750, G>C. VCF-style: chr4-71440750-G-C. GRCh37 (hg19) VCF-style: chr4-72306467-G-C.
Other names: c.942G>C, p.Leu314= (NM_001134742.2); c.810G>C, p.Leu270= (NM_003759.4).
Identifiers: ClinVar variation 349539 (VCV000349539.13), dbSNP rs146008079, ClinGen allele CA2954692.

ClinVar aggregate classification (germline): Conflicting classifications of pathogenicity. Review status: criteria provided, conflicting classifications (1 of 4 stars). 5 submissions from 5 submitters: Uncertain significance (2); Likely benign (2). 1 of the submissions does not count toward it. Last evaluated 2025-10-24.

Conditions:
SLC4A4-related disorder. Also called: SLC4A4-related condition.
Autosomal recessive proximal renal tubular acidosis (PRTAO). Also called: RTA, PROXIMAL, AUTOSOMAL RECESSIVE; RENAL TUBULAR ACIDOSIS, PROXIMAL, WITH OCULAR ABNORMALITIES AND MENTAL RETARDATION; PROXIMAL RENAL TUBULAR ACIDOSIS-OCULAR ANOMALY SYNDROME; RENAL TUBULAR ACIDOSIS, PROXIMAL, WITH OCULAR ABNORMALITIES AND IMPAIRED INTELLECTUAL DEVELOPMENT. Identifiers: Orphanet 93607, MedGen C1970309, MONDO:0011422, OMIM 604278.

Allele frequency attached by ClinVar (database versions not stated): gnomAD exomes 0.00003 and 0.00007; ExAC 0.00010; ESP Exome Variant Server 0.00023; gnomAD 0.00029 and 0.00030; TOPMed 0.00039; 1000 Genomes Project 0.00060; 1000 Genomes Project 30x 0.00062.
gnomAD v4.1: 94 of 1,614,080 alleles (0.0058%); highest among the groups gnomAD compares: African/African-American, 0.11%; no homozygotes.

Submissions (5):

Labcorp Genetics (formerly Invitae), Labcorp
Classification: Likely benign. Last evaluated: 2025-10-24. Review status: criteria provided, single submitter. Criteria: Invitae Variant Classification Sherloc (09022015). Collection method: clinical testing. Allele origin: germline.

Blueprint Genetics
Classification: Likely benign. Last evaluated: 2021-04-14. Review status: criteria provided, single submitter. Criteria: ACMG Guidelines, 2015. Collection method: clinical testing. Allele origin: germline.

Illumina Laboratory Services, Illumina
Classification: Uncertain significance for Autosomal recessive proximal renal tubular acidosis. Last evaluated: 2018-01-13. Review status: criteria provided, single submitter. Criteria: ICSL Variant Classification Criteria 13 December 2019. Collection method: clinical testing. Allele origin: germline.

Breakthrough Genomics
Classification: Uncertain significance. Review status: criteria provided, single submitter. Criteria: ACMG Guidelines, 2015. Collection method: not provided. Allele origin: germline. Inheritance: Autosomal recessive inheritance. Affected: yes.

PreventionGenetics, part of Exact Sciences
Classification: Likely benign for SLC4A4-related condition. Last evaluated: 2019-06-01. Review status: no assertion criteria provided. Collection method: clinical testing. Allele origin: germline. Not counted in ClinVar's aggregate classification.
Comment: This variant is classified as likely benign based on ACMG/AMP sequence variant interpretation guidelines (Richards et al. 2015 PMID: 25741868, with internal and published modifications).